The following is an entry in ClinVar:

ClinVar aggregate classification (germline): Uncertain significance. Review status: criteria provided, multiple submitters, no conflicts (2 of 4 stars). 4 submissions from 4 submitters: Uncertain significance (4). Last evaluated 2025-10-08.

Conditions:
Polycystic kidney disease 3 with or without polycystic liver disease. Also called: Polycystic kidney disease 3; Polycystic Kidney and/or Polycystic Liver Disease 3; POLYCYSTIC KIDNEY DISEASE, ADULT, TYPE III. Identifiers: MedGen C3887964, MONDO:0010916, OMIM 600666.

Allele frequency attached by ClinVar (database versions not stated): gnomAD exomes below 0.00001.
gnomAD v4.1: 4 of 1,614,110 alleles (0.00025%); highest among the groups gnomAD compares: Non-Finnish European, 0.00034%; no homozygotes.

Submissions (4):

Mayo Clinic Laboratories, Mayo Clinic
Classification: Uncertain significance. Last evaluated: 2025-10-08. Review status: criteria provided, single submitter. Criteria: ACMG Guidelines, 2015. Collection method: clinical testing. Allele origin: germline. Observed: 1 variant allele.
Comment: PP3_moderate, PM2_supporting

Human Genetics Bochum, Ruhr University Bochum
Classification: Uncertain significance for Polycystic kidney disease 3 with or without polycystic liver disease. Last evaluated: 2023-07-11. Review status: criteria provided, single submitter. Criteria: ACMG Guidelines, 2015. Collection method: clinical testing. Allele origin: germline. Affected: yes.
Comment: ACMG criteria used to clasify this variant: PP3_MOD, PM2_SUP

Fulgent Genetics
Classification: Uncertain significance for Polycystic kidney disease 3 with or without polycystic liver disease. Last evaluated: 2021-11-24. Review status: criteria provided, single submitter. Criteria: ACMG Guidelines, 2015. Collection method: clinical testing. Allele origin: unknown.

GeneDx
Classification: Uncertain significance. Last evaluated: 2021-04-06. Review status: criteria provided, single submitter. Criteria: GeneDx Variant Classification Process June 2021. Collection method: clinical testing. Allele origin: germline. Affected: yes.
Comment: Not observed in large population cohorts (Lek et al., 2016); In silico analysis supports that this missense variant has a deleterious effect on protein structure/function; Has not been previously published as pathogenic or benign to our knowledge

NM_198334.3(GANAB):c.2021G>A (p.Arg674Gln)

Gene: GANAB (glucosidase II alpha subunit; minus strand). Cytogenetic location: 11q12.3.
Variant type: single nucleotide variant.
Coding change: c.2021G>A on transcript NM_198334.3 (MANE Select); coding-DNA position 2021, G replaced by A.
Protein change: p.Arg674Gln; replaces arginine 674 with glutamine.
Molecular consequence: missense variant.
Genome position (GRCh38, 1-based): chr11:62,628,928, C>T on the plus strand (G>A on the coding strand, the complement: GANAB is on the minus strand). VCF-style: chr11-62628928-C-T. GRCh37 (hg19) VCF-style: chr11-62396400-C-T.
Other names: p.Arg696Gln; c.1745G>A, p.Arg582Gln (NM_001278192.2); c.1679G>A, p.Arg560Gln (NM_001278193.2); c.1730G>A, p.Arg577Gln (NM_001278194.2, NM_001329222.2, NM_001329223.2); c.1298G>A, p.Arg433Gln (NM_001329224.2, NM_001329225.2); c.2087G>A, p.Arg696Gln (NM_198335.4); short protein forms R433Q, R560Q, R577Q, R582Q, R674Q, R696Q.
Identifiers: ClinVar variation 1300965 (VCV001300965.5), dbSNP rs2134469442, ClinGen allele CA380990865.
Genomic context (GRCh38, chr11:62,628,928, plus strand): 5'-TTGTGCTGAGATGGTAACAGCCATGGCTCTCGTCGCCCAGTGTCCAAGTGGGCATGTGCC[C>T]GGAAGAATGGCTGGTAAGCACCCATCTGGTACCAGCGCACAAGCAGCTCTGGCTCTGGGT-3'
Protein context (NP_938148.1, residues 664-684): YQMGAYQPFF[Arg674Gln]AHAHLDTGRR